The following is an entry in ClinVar:

ClinVar aggregate classification (germline): Likely benign. Review status: criteria provided, single submitter (1 of 4 stars). 3 submissions from 3 submitters: Likely benign (1). 2 of the submissions do not count toward it. Last evaluated 2018-11-06.

Conditions:
MST1R-related disorder. Also called: MST1R-related condition.

Allele frequency attached by ClinVar (database versions not stated): gnomAD 0.00001 and 0.00012; TOPMed 0.00005; 1000 Genomes Project 30x 0.00016; 1000 Genomes Project 0.00020; gnomAD exomes 0.00049; ExAC 0.00050.
gnomAD v4.1: 347 of 1,613,604 alleles (0.022%); highest among the groups gnomAD compares: South Asian, 0.35%; 2 homozygotes.

Submissions (3):

Labcorp Genetics (formerly Invitae), Labcorp
Classification: Likely benign. Last evaluated: 2018-11-06. Review status: criteria provided, single submitter. Criteria: Invitae Variant Classification Sherloc (09022015). Collection method: clinical testing. Allele origin: germline.

PreventionGenetics, part of Exact Sciences
Classification: Likely benign for MST1R-related condition. Last evaluated: 2020-05-07. Review status: no assertion criteria provided. Collection method: clinical testing. Allele origin: germline. Not counted in ClinVar's aggregate classification.
Comment: This variant is classified as likely benign based on ACMG/AMP sequence variant interpretation guidelines (Richards et al. 2015 PMID: 25741868, with internal and published modifications).

Department of Pathology and Laboratory Medicine, Sinai Health System
Classification: Uncertain significance. Review status: no assertion criteria provided. Collection method: clinical testing. Allele origin: unknown. Affected: yes. Study: The Canadian Open Genetics Repository (COGR). Not counted in ClinVar's aggregate classification.

NM_002447.4(MST1R):c.2464C>G (p.Gln822Glu)

Gene: MST1R (macrophage stimulating 1 receptor; minus strand). Cytogenetic location: 3p21.31.
Variant type: single nucleotide variant.
Coding change: c.2464C>G on transcript NM_002447.4 (MANE Select); coding-DNA position 2464, C replaced by G.
Protein change: p.Gln822Glu; replaces glutamine 822 with glutamic acid.
Molecular consequence: missense variant. On other transcripts: non-coding transcript variant (1).
Genome position (GRCh38, 1-based): chr3:49,896,380, G>C on the plus strand (C>G on the coding strand, the complement: MST1R is on the minus strand). VCF-style: chr3-49896380-G-C. GRCh37 (hg19) VCF-style: chr3-49933813-G-C.
Other names: c.2464C>G, p.Gln822Glu (NM_001244937.3); c.2146C>G, p.Gln716Glu (NM_001318913.2); short protein forms Q716E, Q822E.
Identifiers: ClinVar variation 793343 (VCV000793343.6), dbSNP rs375573917, ClinGen allele CA2408897.